The following is an entry in ClinVar:

NM_005475.3(SH2B3):c.980C>A (p.Thr327Lys)

Gene: SH2B3 (SH2B adaptor protein 3; plus strand). Cytogenetic location: 12q24.12.
Variant type: single nucleotide variant.
Coding change: c.980C>A on transcript NM_005475.3 (MANE Select); coding-DNA position 980, C replaced by A.
Protein change: p.Thr327Lys; replaces threonine 327 with lysine.
Molecular consequence: missense variant.
Genome position (GRCh38, 1-based): chr12:111,447,178, C>A. VCF-style: chr12-111447178-C-A. GRCh37 (hg19) VCF-style: chr12-111884982-C-A.
Other names: c.374C>A, p.Thr125Lys (NM_001291424.1); short protein forms T327K, T125K.
Identifiers: ClinVar variation 5029499 (VCV005029499.1).

ClinVar aggregate classification (germline): Uncertain significance (1 of 4 stars; one submission).

Conditions:
Inborn genetic diseases. Identifiers: MedGen C0950123, MeSH D030342.

Submission:

Ambry Genetics
Classification: Uncertain significance for Inborn genetic diseases. Last evaluated: 2026-08-09. Review status: criteria provided, single submitter. Criteria: Ambry Variant Classification Scheme 2023. Collection method: clinical testing. Allele origin: germline.
Comment: The p.T327K variant (also known as c.980C>A), located in coding exon 4 of the SH2B3 gene, results from a C to A substitution at nucleotide position 980. The threonine at codon 327 is replaced by lysine, an amino acid with similar properties. This amino acid position is conserved. In addition, this alteration is predicted to be tolerated by in silico analysis. Based on the available evidence, the clinical significance of this variant remains unclear.